The following is an entry in ClinVar:

NM_002417.5(MKI67):c.9101C>T (p.Ala3034Val)

Gene: MKI67 (marker of proliferation Ki-67; minus strand). Cytogenetic location: 10q26.2.
Variant type: single nucleotide variant.
Coding change: c.9101C>T on transcript NM_002417.5 (MANE Select); coding-DNA position 9101, C replaced by T.
Protein change: p.Ala3034Val; replaces alanine 3034 with valine.
Molecular consequence: missense variant.
Genome position (GRCh38, 1-based): chr10:128,102,739, G>A on the plus strand (C>T on the coding strand, the complement: MKI67 is on the minus strand). VCF-style: chr10-128102739-G-A. GRCh37 (hg19) VCF-style: chr10-129901003-G-A.
Other names: c.8021C>T, p.Ala2674Val (NM_001145966.2); short protein forms A2674V, A3034V.
Identifiers: ClinVar variation 3044221 (VCV003044221.3), dbSNP rs2493519489, ClinGen allele CA378708571.

ClinVar aggregate classification (germline): Uncertain significance (1 of 4 stars; one submission).

Conditions:
MKI67-related disorder. Also called: MKI67-related condition.

Allele frequency attached by ClinVar (database versions not stated): gnomAD exomes below 0.00001.
gnomAD v4.1: 1 of 1,614,184 alleles (0.000062%); highest among the groups gnomAD compares: Non-Finnish European, 0.000085%; no homozygotes.

Submission:

PreventionGenetics, part of Exact Sciences
Classification: Uncertain significance for MKI67-related condition. Last evaluated: 2025-12-03. Review status: criteria provided, single submitter. Criteria: ACMG Guidelines, 2015. Collection method: clinical testing. Allele origin: germline.
Comment: The MKI67 c.9101C>T variant is predicted to result in the amino acid substitution p.Ala3034Val. To our knowledge, this variant has not been reported in the literature or in a large population database (gnomAD), indicating this variant is rare. At this time, the clinical significance of this variant is uncertain due to the absence of conclusive functional and genetic evidence.